The following is an entry in ClinVar:

ClinVar aggregate classification (germline): Uncertain significance (1 of 4 stars; one submission).

Conditions:
Hereditary cancer-predisposing syndrome. Also called: Hereditary neoplastic syndrome; Neoplastic Syndromes, Hereditary; Tumor predisposition; Hereditary Cancer Syndrome. Identifiers: Orphanet 140162, MedGen C0027672, MeSH D009386, MONDO:0015356.

Submission:

Ambry Genetics
Classification: Uncertain significance for Hereditary cancer-predisposing syndrome. Last evaluated: 2025-01-30. Review status: criteria provided, single submitter. Criteria: Ambry Variant Classification Scheme 2023. Collection method: clinical testing. Allele origin: germline.
Comment: The p.K1249I variant (also known as c.3746A>T), located in coding exon 20 of the DICER1 gene, results from an A to T substitution at nucleotide position 3746. The lysine at codon 1249 is replaced by isoleucine, an amino acid with dissimilar properties. This amino acid position is conserved. In addition, this alteration is predicted to be tolerated by in silico analysis. Based on the available evidence, the clinical significance of this variant remains unclear.

NM_177438.3(DICER1):c.3746A>T (p.Lys1249Ile)

Gene: DICER1 (dicer 1, ribonuclease III; minus strand). Cytogenetic location: 14q32.13.
Variant type: single nucleotide variant.
Coding change: c.3746A>T on transcript NM_177438.3 (MANE Select); coding-DNA position 3746, A replaced by T.
Protein change: p.Lys1249Ile; replaces lysine 1249 with isoleucine.
Molecular consequence: missense variant. On other transcripts: non-coding transcript variant (6).
Genome position (GRCh38, 1-based): chr14:95,103,650, T>A on the plus strand (A>T on the coding strand, the complement: DICER1 is on the minus strand). VCF-style: chr14-95103650-T-A. GRCh37 (hg19) VCF-style: chr14-95569987-T-A.
Other names: c.3746A>T, p.Lys1249Ile (NM_001195573.1, NM_001271282.3, NM_001291628.2 and 12 more transcripts); c.3464A>T, p.Lys1155Ile (NM_001395686.1); c.3341A>T, p.Lys1114Ile (NM_001395687.1, NM_001395688.1, NM_001395689.1 and 2 more transcripts); c.3179A>T, p.Lys1060Ile (NM_001395691.1); c.2063A>T, p.Lys688Ile (NM_001395697.1); short protein forms K1114I, K688I, K1060I, K1249I, K1155I.
Identifiers: ClinVar variation 3840022 (VCV003840022.1).